The following is an entry in ClinVar:

ClinVar aggregate classification (germline): Pathogenic. Review status: criteria provided, multiple submitters, no conflicts (2 of 4 stars). 2 submissions from 2 submitters: Pathogenic (2). Last evaluated 2025-01-27.

Conditions:
Hereditary nonpolyposis colorectal neoplasms. Identifiers: MedGen C0009405, MeSH D003123.
Hereditary cancer-predisposing syndrome. Also called: Neoplastic Syndromes, Hereditary; Tumor predisposition; Hereditary Cancer Syndrome; Hereditary neoplastic syndrome. Identifiers: Orphanet 140162, MedGen C0027672, MeSH D009386, MONDO:0015356.

Submissions (2):

Labcorp Genetics (formerly Invitae), Labcorp
Classification: Pathogenic for Hereditary nonpolyposis colorectal neoplasms. Last evaluated: 2025-01-27. Review status: criteria provided, single submitter. Criteria: Invitae Variant Classification Sherloc (09022015). Collection method: clinical testing. Allele origin: germline.
Comment: This sequence change creates a premature translational stop signal (p.Ala683Leufs*3) in the MSH6 gene. It is expected to result in an absent or disrupted protein product. Loss-of-function variants in MSH6 are known to be pathogenic (PMID: 18269114, 24362816). This variant is not present in population databases (gnomAD no frequency). This variant has not been reported in the literature in individuals affected with MSH6-related conditions. Algorithms developed to predict the effect of sequence changes on RNA splicing suggest that this variant may create or strengthen a splice site. For these reasons, this variant has been classified as Pathogenic.

Ambry Genetics
Classification: Pathogenic for Hereditary cancer-predisposing syndrome. Last evaluated: 2019-04-30. Review status: criteria provided, single submitter. Criteria: Ambry Variant Classification Scheme 2023. Collection method: clinical testing. Allele origin: germline.
Comment: The c.2045_2046dupCT pathogenic mutation, located in coding exon 4 of the MSH6 gene, results from a duplication of CT at nucleotide position 2045, causing a translational frameshift with a predicted alternate stop codon (p.A683Lfs*3). This alteration is expected to result in loss of function by premature protein truncation or nonsense-mediated mRNA decay. As such, this alteration is interpreted as a disease-causing mutation.

Literature cited by the submitters: PubMed 18269114 (cited by Labcorp Genetics (formerly Invitae), Labcorp); PubMed 24362816 (cited by Labcorp Genetics (formerly Invitae), Labcorp).

NM_000179.3(MSH6):c.2045_2046dup (p.Ala683fs)

Gene: MSH6 (mutS homolog 6; plus strand). Cytogenetic location: 2p16.3.
Variant type: Microsatellite.
Coding change: c.2045_2046dup on transcript NM_000179.3 (MANE Select); coding-DNA positions 2045 to 2046, 2 bases duplicated (CT; older notation c.2045_2046dupCT).
Protein change: p.Ala683fs; shifts the reading frame from alanine 683.
Molecular consequence: frameshift variant.
Genome position (GRCh38, 1-based): chr2:47,800,028-47,800,029, CT duplicated; duplicating any 2 consecutive bases within chr2:47,800,024-47,800,029 gives the same sequence; the c. name uses the placement nearest the transcript's 3' end. VCF-style (leftmost placement, unchanged base first): chr2-47800023-C-CCT. GRCh37 (hg19) VCF-style: chr2-48027162-C-CCT.
Other names: c.2041_2042CT[4], p.Ala683Leufs (NM_000179.2, NM_001406796.1, NM_001406798.1 and 4 more transcripts); c.1655_1656dup, p.Ala553fs (NM_001281492.2); c.1139_1140dup, p.Ala381fs (NM_001281493.2, NM_001281494.2); c.2137_2138CT[4], p.Ala715Leufs (NM_001406795.1, NM_001406802.1); c.1744_1745CT[4], p.Ala584Leufs (NM_001406797.1, NM_001406801.1, NM_001406805.1 and 10 more transcripts); c.1516_1517CT[4], p.Ala508Leufs (NM_001406799.1, NM_001406806.1, NM_001406807.1); c.1963_1964CT[4], p.Ala657Leufs (NM_001406804.1); c.1135_1136CT[4], p.Ala381Leufs (NM_001406811.1, NM_001406812.1, NM_001406814.1 and 4 more transcripts); and 3 more; short protein forms A381fs, A553fs, A683fs.
Identifiers: ClinVar variation 1784952 (VCV001784952.4), dbSNP rs267608057, ClinGen allele CA1139770409.